The following is an entry in ClinVar:

ClinVar aggregate classification (germline): Pathogenic/Likely pathogenic. Review status: criteria provided, multiple submitters, no conflicts (2 of 4 stars). 4 submissions from 4 submitters: Pathogenic (1); Likely pathogenic (2). 1 of the submissions does not count toward it. Last evaluated 2024-10-22.

Conditions:
COMP-related disorder. Also called: COMP-related condition; COMP-related disorders.
Pseudoachondroplastic spondyloepiphyseal dysplasia syndrome (PSACH). Also called: PSEUDOACHONDROPLASTIC DYSPLASIA; COMP-Related Pseudoachondroplasia; Pseudoachondroplasia. Identifiers: Orphanet 750, MedGen C0410538, MONDO:0008322, OMIM 177170.

Submissions (4):

Blueprint Genetics
Classification: Likely pathogenic for COMP-related disorders. Last evaluated: 2024-10-22. Review status: criteria provided, single submitter. Criteria: ACMG Guidelines, 2015. Collection method: clinical testing. Allele origin: germline. Affected: yes. Observed: 1 variant allele.

Labcorp Genetics (formerly Invitae), Labcorp
Classification: Pathogenic. Last evaluated: 2022-04-13. Review status: criteria provided, single submitter. Criteria: Invitae Variant Classification Sherloc (09022015). Collection method: clinical testing. Allele origin: germline.
Comment: This variant is not present in population databases (gnomAD no frequency). This sequence change replaces histidine, which is basic and polar, with arginine, which is basic and polar, at codon 587 of the COMP protein (p.His587Arg). This missense change has been observed in individuals with pseudoachondroplasia (PMID: 9880218, 12768438; Invitae). For these reasons, this variant has been classified as Pathogenic. Experimental studies have shown that this missense change affects COMP function (PMID: 17570134, 20936634). Advanced modeling of protein sequence and biophysical properties (such as structural, functional, and spatial information, amino acid conservation, physicochemical variation, residue mobility, and thermodynamic stability) performed at Invitae indicates that this missense variant is expected to disrupt COMP protein function. ClinVar contains an entry for this variant (Variation ID: 40996).

GeneDx
Classification: Likely pathogenic. Last evaluated: 2016-12-19. Review status: criteria provided, single submitter. Criteria: GeneDx Variant Classification (06012015). Collection method: clinical testing. Allele origin: germline. Affected: yes.
Comment: The H587R missense variant in the COMP gene has been reported previously in association with Pseudoachondroplasia (PSACH) (Deere et al., 1998). It was not observed in approximately 6,500 individuals of European and African American ancestry in the NHLBI Exome Sequencing Project, indicating it is not a common benign variant in these populations. Although H587R is a conservative amino acid substitution, which is not likely to impact secondary protein structure as these residues share similar properties, this substitution occurs at a position that is conserved across species and in silico analysis predicts this variant is probably damaging to the protein structure/function. Missense variants in nearby residues (T585K/R/M, E583K) have been reported in the Human Gene Mutation Database in association with COMP-related disorders (Stenson et al., 2014), supporting the functional importance of this region of the protein. Additionally, functional studies have shown that, although the H587R variant yields minimal effects on collagen binding and secondary protein structure, it disrupts fibril formation and organization (Spitznagel et a., 2004; Schmitz et al., 2006; Weirich et al., 2007; Hansen et al., 2011). Therefore, this variant is likely pathogenic; however, the possibility that it is benign cannot be excluded.

GeneReviews
No classification provided. Condition: Pseudoachondroplastic spondyloepiphyseal dysplasia syndrome. Review status: no classification provided. Collection method: literature only. Allele origin: germline. Not counted in ClinVar's aggregate classification.

Literature cited by the submitters: PubMed 9880218 (cited by Labcorp Genetics (formerly Invitae), Labcorp); PubMed 12768438 (cited by Labcorp Genetics (formerly Invitae), Labcorp); PubMed 17570134 (cited by Labcorp Genetics (formerly Invitae), Labcorp); PubMed 20936634 (cited by Labcorp Genetics (formerly Invitae), Labcorp).

NM_000095.3(COMP):c.1760A>G (p.His587Arg)

Gene: COMP (cartilage oligomeric matrix protein; minus strand). Cytogenetic location: 19p13.11.
Variant type: single nucleotide variant.
Coding change: c.1760A>G on transcript NM_000095.3 (MANE Select); coding-DNA position 1760, A replaced by G.
Protein change: p.His587Arg; replaces histidine 587 with arginine.
Molecular consequence: missense variant.
Genome position (GRCh38, 1-based): chr19:18,785,050, T>C on the plus strand (A>G on the coding strand, the complement: COMP is on the minus strand). VCF-style: chr19-18785050-T-C. GRCh37 (hg19) VCF-style: chr19-18895860-T-C.
Other names: short protein forms H587R.
Identifiers: ClinVar variation 40996 (VCV000040996.11), dbSNP rs312262901, ClinGen allele CA343862.